The following is an entry in ClinVar:

ClinVar aggregate classification (germline): Likely benign (1 of 4 stars; one submission).

Submission:

GeneDx
Classification: Likely benign. Last evaluated: 2020-01-23. Review status: criteria provided, single submitter. Criteria: GeneDx Variant Classification Process June 2021. Collection method: clinical testing. Allele origin: germline. Affected: yes.
Comment: See Variant Classification Assertion Criteria.

NM_012123.4(MTO1):c.825+150dup

Gene: MTO1 (mitochondrial tRNA translation optimization 1; plus strand). Cytogenetic location: 6q13.
Variant type: Duplication.
Coding change: c.825+150dup on transcript NM_012123.4 (MANE Select); 150 bases into the intron after coding-DNA position 825, one base duplicated (T; older notation c.825+150dupT).
Molecular consequence: intron variant.
Genome position (GRCh38, 1-based): chr6:73,473,804, T duplicated; the last of 18 consecutive T bases (chr6:73,473,787-73,473,804); duplicating any one gives the same sequence. VCF-style (leftmost placement, unchanged base first): chr6-73473786-A-AT. GRCh37 (hg19) VCF-style: chr6-74183509-A-AT.
Other names: c.825+150dup (NM_133645.3, NM_001123226.2).
Identifiers: ClinVar variation 2502574 (VCV002502574.1), dbSNP rs112494055, ClinGen allele CA568118643.